The following is an entry in ClinVar:

NM_014516.4(CNOT3):c.2164-7C>T

Genes: CNOT3 (CCR4-NOT transcription complex subunit 3; plus strand), LENG1 (leukocyte receptor cluster member 1; minus strand). Cytogenetic location: 19q13.42.
Variant type: single nucleotide variant.
Coding change: c.2164-7C>T on transcript NM_014516.4 (MANE Select); 7 bases into the intron before coding-DNA position 2164, C replaced by T.
Molecular consequence: intron variant. On other transcripts: 3 prime UTR variant (1).
Genome position (GRCh38, 1-based): chr19:54,155,302, C>T. VCF-style: chr19-54155302-C-T. GRCh37 (hg19) VCF-style: chr19-54659040-C-T.
Other names: c.*419G>A (NM_024316.3).
Identifiers: ClinVar variation 1972124 (VCV001972124.34), dbSNP rs199926517, ClinGen allele CA309341474.
Genomic context (GRCh38, chr19:54,155,302, plus strand): 5'-TGTTGGTCCGGCCCAGATCCCAGACCACCTCCTCGTCCACTCACTGACCGCCTTCTCCCC[C>T]GGCCAGGGCACCTACATCTACTTTGACTACGAGAAGTGGGGCCAGCGGAAGAAGGAAGGC-3'

ClinVar aggregate classification (germline): Benign/Likely benign. Review status: criteria provided, multiple submitters, no conflicts (2 of 4 stars). 3 submissions from 3 submitters: Benign (1); Likely benign (2). Last evaluated 2025-06-01.

Allele frequency attached by ClinVar (database versions not stated): 1000 Genomes Project 30x 0.00016; 1000 Genomes Project 0.00020; gnomAD exomes 0.00024; gnomAD 0.00026; TOPMed 0.00032; ExAC 0.00047; ESP Exome Variant Server 0.00062.
gnomAD v4.1: 411 of 1,612,870 alleles (0.025%); highest among the groups gnomAD compares: Middle Eastern, 0.083%; 1 homozygote.

Submissions (3):

CeGaT Center for Human Genetics Tuebingen
Classification: Likely benign. Last evaluated: 2025-06-01. Review status: criteria provided, single submitter. Criteria: CeGaT Center For Human Genetics Tuebingen Variant Classification Criteria Version 2. Collection method: clinical testing. Allele origin: germline. Affected: yes. Observed: 2 variant alleles.
Comment: CNOT3: BP4, BS1

Labcorp Genetics (formerly Invitae), Labcorp
Classification: Benign. Last evaluated: 2025-01-12. Review status: criteria provided, single submitter. Criteria: Invitae Variant Classification Sherloc (09022015). Collection method: clinical testing. Allele origin: germline.

Blueprint Genetics
Classification: Likely benign. Last evaluated: 2024-10-18. Review status: criteria provided, single submitter. Criteria: ACMG Guidelines, 2015. Collection method: clinical testing. Allele origin: germline.